The following is an entry in ClinVar:

NM_006734.4(HIVEP2):c.3600A>C (p.Pro1200=)

Gene: HIVEP2 (HIVEP zinc finger 2; minus strand). Cytogenetic location: 6q24.2.
Variant type: single nucleotide variant.
Coding change: c.3600A>C on transcript NM_006734.4 (MANE Select); coding-DNA position 3600, A replaced by C.
Protein change: p.Pro1200=; no amino-acid change (proline 1200 retained).
Molecular consequence: synonymous variant.
Genome position (GRCh38, 1-based): chr6:142,771,139, T>G on the plus strand (A>C on the coding strand, the complement: HIVEP2 is on the minus strand). VCF-style: chr6-142771139-T-G. GRCh37 (hg19) VCF-style: chr6-143092276-T-G.
Other names: c.3600A>C (NM_006734.3).
Identifiers: ClinVar variation 3019136 (VCV003019136.5), dbSNP rs781753172, ClinGen allele CA4028218.
Genomic context (GRCh38, chr6:142,771,139, plus strand): 5'-AGCTGGTAAATGAACCATACAAACTGTAGGATACTGAAACTGAAACAAGGCATTCTGGAT[T>G]GGAGAAAATGGAATTGTCTCTTGATGTGGAAATAAGTGTGGCTGTTCAGGTAAGTGCTTG-3'
Protein context (NP_006725.3, residues 1190-1210): FPHQETIPFS[Pro1200=]IQNALFQFQY

ClinVar aggregate classification (germline): Benign. Review status: criteria provided, single submitter (1 of 4 stars). 2 submissions from 2 submitters: Benign (1). 1 of the submissions does not count toward it. Last evaluated 2024-01-04.

Conditions:
HIVEP2-related disorder. Also called: HIVEP2-related condition.

Allele frequency attached by ClinVar (database versions not stated): TOPMed 0.00002; gnomAD 0.00008; ExAC 0.00025.
gnomAD v4.1: 187 of 1,614,234 alleles (0.012%); highest among the groups gnomAD compares: South Asian, 0.18%; 1 homozygote.

Submissions (2):

Labcorp Genetics (formerly Invitae), Labcorp
Classification: Benign. Last evaluated: 2024-01-04. Review status: criteria provided, single submitter. Criteria: Invitae Variant Classification Sherloc (09022015). Collection method: clinical testing. Allele origin: germline.

PreventionGenetics, part of Exact Sciences
Classification: Likely benign for HIVEP2-related condition. Last evaluated: 2019-06-13. Review status: no assertion criteria provided. Collection method: clinical testing. Allele origin: germline. Not counted in ClinVar's aggregate classification.
Comment: This variant is classified as likely benign based on ACMG/AMP sequence variant interpretation guidelines (Richards et al. 2015 PMID: 25741868, with internal and published modifications).